The following is an entry in ClinVar:

ClinVar aggregate classification (germline): Uncertain significance. Review status: reviewed by expert panel (3 of 4 stars). 5 submissions from 5 submitters: Uncertain significance (1). 4 of the submissions do not count toward it. Last evaluated 2024-10-29.

Conditions:
Inborn genetic diseases. Identifiers: MedGen C0950123, MeSH D030342.
Acute myeloid leukemia (AML). Also called: Acute myeloid leukemia, adult; AML adult; Acute non-lymphocytic leukemia; Acute granulocytic leukemia; Leukemia, acute myeloid, somatic; Leukemia, acute myelogenous, somatic. Identifiers: Orphanet 519, MedGen C0023467, MeSH D015470, MONDO:0018874, OMIM 601626, HP:0004808. Disease mechanism: Constitutively activated FLT3.
Hereditary thrombocytopenia and hematological cancer predisposition syndrome associated with RUNX1. Also called: PLATELET DISORDER, ASPIRIN-LIKE; RUNX1 Familial Platelet Disorder with Associated Myeloid Malignancies; Familial Platelet Disorder with Propensity to Acute Myelogenous Leukemia; Familial thrombocytopenia with propensity to acute myelogenous leukemia. Identifiers: Orphanet 71290, MedGen C1832388, MeSH C563324, MONDO:0100083, OMIM 601399.
Hereditary thrombocytopenia and hematologic cancer predisposition syndrome. Identifiers: Orphanet 71290, MedGen CN281654, MONDO:0011071.

Submissions (5):

ClinGen Myeloid Malignancy Variant Curation Expert Panel
Classification: Uncertain significance for Hereditary thrombocytopenia and hematologic cancer predisposition syndrome. Last evaluated: 2024-10-29. Review status: reviewed by expert panel. Criteria: ClinGen MyeloMalig ACMG Specifications v2. Collection method: curation. Allele origin: germline. Inheritance: Autosomal dominant inheritance.
Comment: NM_001754.5(RUNX1):c.1367_1426dup (p.Ala475_Val476insGluGlySerHisSerAsnSerProThrAsnMetAlaProSerAlaArgLeuGluGluAla) is an in-frame duplication variant that does not occur within the RHD (PM4 not applicable). This variant is completely absent from all population databases with at least 20x coverage for RUNX1 (PM2_Supporting). In summary, the clinical significance of this variant is uncertain. ACMG/AMP criteria applied, as specified by the Myeloid Malignancy Variant Curation Expert Panel for RUNX1: PM2_supporting.

Ambry Genetics
Classification: Uncertain significance for Inborn genetic diseases. Last evaluated: 2026-06-06. Review status: criteria provided, single submitter. Criteria: Ambry Variant Classification Scheme 2023. Collection method: clinical testing. Allele origin: germline. Not counted in ClinVar's aggregate classification.
Comment: The c.1367_1426dup60 variant (also known as p.E456_A475dup), located in coding exon 8 of the RUNX1 gene, results from an in-frame duplication of 60 nucleotides at nucleotide positions 1367 to 1426. This results in the duplication of 20 extra residues (EGSHSNSPTNMAPSARLEEA) between codons 456 and 475. This amino acid region is well conserved in available vertebrate species. In addition, this variant is predicted to be deleterious by in silico analysis (Choi Y et al. PLoS ONE. 2012; 7(10):e46688). Based on the available evidence, the clinical significance of this variant remains unclear.

Baylor Genetics
Classification: Uncertain significance for Acute myeloid leukemia. Last evaluated: 2023-09-21. Review status: criteria provided, single submitter. Criteria: ACMG Guidelines, 2015. Collection method: clinical testing. Allele origin: unknown. Not counted in ClinVar's aggregate classification.

Labcorp Genetics (formerly Invitae), Labcorp
Classification: Likely benign for Hereditary thrombocytopenia and hematological cancer predisposition syndrome associated with RUNX1. Last evaluated: 2022-09-27. Review status: criteria provided, single submitter. Criteria: Invitae Variant Classification Sherloc (09022015). Collection method: clinical testing. Allele origin: germline. Not counted in ClinVar's aggregate classification.

Blueprint Genetics
Classification: Uncertain significance. Last evaluated: 2018-05-04. Review status: criteria provided, single submitter. Criteria: ACMG Guidelines, 2015. Collection method: clinical testing. Allele origin: germline. Not counted in ClinVar's aggregate classification.

NM_001754.5(RUNX1):c.1367_1426dup (p.Glu456_Ala475dup)

Gene: RUNX1 (RUNX family transcription factor 1; minus strand). Cytogenetic location: 21q22.12.
Variant type: Duplication.
Coding change: c.1367_1426dup on transcript NM_001754.5 (MANE Select); coding-DNA positions 1367 to 1426, 60 bases duplicated.
Protein change: p.Glu456_Ala475dup.
Molecular consequence: inframe insertion.
Genome position (GRCh38, 1-based): chr21:34,792,152-34,792,211, 60 bases duplicated. GRCh37 (hg19): chr21:36,164,457-36,164,516.
Other names: NM_001754.5(RUNX1):c.1367_1426dup; p.Glu456_Ala475dup; c.1286_1345dup, p.Glu429_Ala448dup (NM_001001890.3); c.1367_1426dupAGGGCAGCCACAGCAACTCCCCCACCAACATGGCGCCCTCCGCGCGCCTGGAGGAGGCCG (NM_001754.4).
Identifiers: ClinVar variation 836080 (VCV000836080.11), dbSNP rs2056446750, ClinGen allele CA916081957.